The following is an entry in ClinVar:

NM_138694.4(PKHD1):c.8863C>T (p.Arg2955Ter)

Gene: PKHD1 (PKHD1 ciliary IPT domain containing fibrocystin/polyductin; minus strand). Cytogenetic location: 6p12.3.
Variant type: single nucleotide variant.
Coding change: c.8863C>T on transcript NM_138694.4 (MANE Select); coding-DNA position 8863, C replaced by T.
Protein change: p.Arg2955Ter; replaces arginine 2955 with a stop codon.
Molecular consequence: nonsense.
Genome position (GRCh38, 1-based): chr6:51,753,288, G>A on the plus strand (C>T on the coding strand, the complement: PKHD1 is on the minus strand). VCF-style: chr6-51753288-G-A. GRCh37 (hg19) VCF-style: chr6-51618086-G-A.
Other names: c.8863C>T, p.Arg2955Ter (NM_170724.3); c.8863C>T (NM_138694.3); short protein forms R2955*.
Identifiers: ClinVar variation 1073734 (VCV001073734.21), dbSNP rs1229564017, ClinGen allele CA364426978.

ClinVar aggregate classification (germline): Pathogenic. Review status: criteria provided, multiple submitters, no conflicts (2 of 4 stars). 5 submissions from 5 submitters: Pathogenic (5). Last evaluated 2025-10-22.

Conditions:
Autosomal recessive polycystic kidney disease (ARPKD). Also called: AR polycystic kidney disease. Identifiers: Orphanet 731, Orphanet 8378, MedGen C0085548, MeSH D017044, MONDO:0009889.
Polycystic kidney disease 4 (PKD4). Also called: POLYCYSTIC KIDNEY AND HEPATIC DISEASE 1; POLYCYSTIC KIDNEY DISEASE, INFANTILE, TYPE I; POLYCYSTIC KIDNEY DISEASE 4 WITH OR WITHOUT POLYCYSTIC LIVER DISEASE; PKD3; Autosomal Recessive Polycystic Kidney Disease – PKHD1. Identifiers: MedGen C4540575, MONDO:0033004, OMIM 263200.

Allele frequency attached by ClinVar (database versions not stated): TOPMed 0.00001.
gnomAD v4.1: 7 of 1,613,438 alleles (0.00043%); highest among the groups gnomAD compares: African/African-American, 0.0013%; no homozygotes.

Submissions (5):

Natera, Inc.
Classification: Pathogenic for Autosomal recessive polycystic kidney disease. Last evaluated: 2025-10-22. Review status: criteria provided, single submitter. Criteria: Natera Variant Classification Schema (03/2026). Collection method: clinical testing. Allele origin: germline.
Comment: The c.8863C>T variant in PKHD1 is a nonsense variant predicted to introduce a stop codon at amino acid 2955. This variant is expected to result in nonsense mediated decay, truncation, or a dysfunctional protein product. This variant is rare in the general population with a frequency below the threshold expected for the associated phenotype(s). This variant has been observed in one or more individuals affected with the associated recessive disease, as either homozygous or compound heterozygous with a second variant (PMID: 31730820). Given the available evidence, this variant is classified as Pathogenic.

Women's Health and Genetics/Laboratory Corporation of America, LabCorp
Classification: Pathogenic for Autosomal recessive polycystic kidney disease. Last evaluated: 2025-10-20. Review status: criteria provided, single submitter. Criteria: LabCorp Variant Classification Summary - May 2015. Collection method: clinical testing. Allele origin: germline.
Comment: Variant summary: PKHD1 c.8863C>T (p.Arg2955X) results in a premature termination codon, predicted to cause a truncation of the encoded protein or absence of the protein due to nonsense mediated decay, which are commonly known mechanisms for disease. The variant was absent in 251070 control chromosomes. c.8863C>T has been observed in individual(s) affected with Polycystic Kidney And Hepatic Disease (example: Cubuk_2024). These data indicate that the variant is very likely to be associated with disease. The following publication has been ascertained in the context of this evaluation (PMID: 38971859). ClinVar contains an entry for this variant (Variation ID: 1073734). Based on the evidence outlined above, the variant was classified as pathogenic.

Victorian Clinical Genetics Services, Murdoch Childrens Research Institute
Classification: Pathogenic for Polycystic kidney disease 4. Last evaluated: 2025-01-08. Review status: criteria provided, single submitter. Criteria: ACMG Guidelines, 2015. Collection method: clinical testing. Allele origin: germline.
Comment: This variant is classified as Pathogenic. Evidence in support of pathogenic classification: Variant is predicted to cause nonsense-mediated decay (NMD) and loss of protein (premature termination codon is located at least 54 nucleotides upstream of the final exon-exon junction); Variant is present in gnomAD <0.01 for a recessive condition (v4: 7 heterozygote(s), 0 homozygote(s)); This variant has strong previous evidence of pathogenicity in unrelated individuals. It has been classified as pathogenic by multiple clinical laboratories (ClinVar). It has also been reported in at least two individuals with early onset polycystic kidney disease (PMID: 38971859, 31730820); Other NMD-predicted variant(s) comparable to the one identified in this case have very strong previous evidence for pathogenicity (DECIPHER). Additional information: This variant is heterozygous; This gene is associated with autosomal recessive disease; however, there are emerging reports of heterozygous carriers of PKHD1 variants developing liver cysts and nephrocalcinosis (PMID: 21945273, 36691356); Loss of function is a known mechanism of disease in this gene and is associated with polycystic kidney disease 4, with or without hepatic disease (MIM#263200); Variants in this gene are known to have variable expressivity. Significant intrafamilial variability has been reported (PMID: 20301501).

Labcorp Genetics (formerly Invitae), Labcorp
Classification: Pathogenic for Autosomal recessive polycystic kidney disease. Last evaluated: 2023-12-13. Review status: criteria provided, single submitter. Criteria: Invitae Variant Classification Sherloc (09022015). Collection method: clinical testing. Allele origin: germline.
Comment: This sequence change creates a premature translational stop signal (p.Arg2955*) in the PKHD1 gene. It is expected to result in an absent or disrupted protein product. Loss-of-function variants in PKHD1 are known to be pathogenic (PMID: 19940839). This variant is not present in population databases (gnomAD no frequency). This premature translational stop signal has been observed in individual(s) with clinical features of polycystic kidney disease (PMID: 31730820). ClinVar contains an entry for this variant (Variation ID: 1073734). For these reasons, this variant has been classified as Pathogenic.

Baylor Genetics
Classification: Pathogenic for Polycystic kidney disease 4. Last evaluated: 2023-12-04. Review status: criteria provided, single submitter. Criteria: ACMG Guidelines, 2015. Collection method: clinical testing. Allele origin: unknown.

Literature cited by the submitters: PubMed 31730820 (cited by Natera, Inc. and Labcorp Genetics (formerly Invitae), Labcorp); PubMed 38971859 (cited by Women's Health and Genetics/Laboratory Corporation of America, LabCorp); PubMed 20301501 (cited by Victorian Clinical Genetics Services, Murdoch Childrens Research Institute); PubMed 36691356 (cited by Victorian Clinical Genetics Services, Murdoch Childrens Research Institute); PubMed 21945273 (cited by Victorian Clinical Genetics Services, Murdoch Childrens Research Institute); PubMed 19940839 (cited by Labcorp Genetics (formerly Invitae), Labcorp).